The following is an entry in ClinVar:

ClinVar aggregate classification (germline): Pathogenic (1 of 4 stars; one submission).

Conditions:
Methylmalonic aciduria due to methylmalonyl-CoA mutase deficiency (MAMM). Also called: Methylmalonic aciduria, mut type. Identifiers: Orphanet 27, MedGen C1855114, MONDO:0009612, OMIM 251000.

Submission:

Myriad Genetics, Inc.
Classification: Pathogenic for Methylmalonic aciduria due to methylmalonyl-CoA mutase deficiency. Last evaluated: 2025-11-29. Review status: criteria provided, single submitter. Criteria: Myriad Autosomal Dominant, Autosomal Recessive and X-Linked Classification Criteria (2023). Collection method: clinical testing. Allele origin: unknown.
Comment: NM_000255.3(MMUT):c.544delA(M182Cfs*5) is expected to be pathogenic in the context of methylmalonic acidemia, MMUT-related. This variant is predicted to lead to an abnormal or absent protein product due to the creation of a premature termination codon in MMUT, a gene where loss-of-function variants are known to be pathogenic. Please note: this variant was assessed in the context of healthy population screening.

NM_000255.4(MMUT):c.544del (p.Met182fs)

Gene: MMUT (methylmalonyl-CoA mutase; minus strand). Cytogenetic location: 6p12.3.
Variant type: Deletion.
Coding change: c.544del on transcript NM_000255.4 (MANE Select); coding-DNA position 544, one base deleted (A; older notation c.544delA).
Protein change: p.Met182fs; shifts the reading frame from methionine 182.
Molecular consequence: frameshift variant.
Genome position (GRCh38, 1-based): chr6:49,457,900, T deleted on the plus strand (A on the coding strand, the reverse complement: MMUT is on the minus strand); the first of 6 consecutive T bases (chr6:49,457,900-49,457,905); deleting any one gives the same sequence. VCF-style (leftmost placement, unchanged base first): chr6-49457899-AT-A. GRCh37 (hg19) VCF-style: chr6-49425612-AT-A.
Other names: short protein forms M182fs.
Identifiers: ClinVar variation 5015283 (VCV005015283.1).
Genomic context (GRCh38, chr6:49,457,899, plus strand): 5'-GTTACTATAAAATTTGCAAGAACTGGAATAACTGCTCCATTCATAGTCATGGAAACTGAC[AT>A]TTTTTCTAAAGGAATTCCATCAAAAAGAATTTTGGTATCTTCCACAGTGTCAATAGCAAC-3'